The following is an entry in ClinVar:

NM_198994.3(TGM6):c.883G>A (p.Val295Met)

Gene: TGM6 (transglutaminase 6; plus strand). Cytogenetic location: 20p13.
Variant type: single nucleotide variant.
Coding change: c.883G>A on transcript NM_198994.3 (MANE Select); coding-DNA position 883, G replaced by A.
Protein change: p.Val295Met; replaces valine 295 with methionine.
Molecular consequence: missense variant.
Genome position (GRCh38, 1-based): chr20:2,400,338, G>A. VCF-style: chr20-2400338-G-A. GRCh37 (hg19) VCF-style: chr20-2380984-G-A.
Other names: c.883G>A, p.Val295Met (NM_001254734.2); short protein forms V295M.
Identifiers: ClinVar variation 337915 (VCV000337915.18), dbSNP rs200341133, ClinGen allele CA9731875.
Genomic context (GRCh38, chr20:2,400,338, plus strand): 5'-GCCTGCTCCGAGCCTCTCTGCTCTGCAGTCCTCAGGTGCTTGGGGATAGCCACACGGGTC[G>A]TGTCCAACTTCAACTCAGCCCACGACACAGACCAGAACCTGAGTGTGGACAAATACGTGG-3'
Protein context (NP_945345.2, residues 285-305): LRCLGIATRV[Val295Met]SNFNSAHDTD

ClinVar aggregate classification (germline): Benign/Likely benign. Review status: criteria provided, multiple submitters, no conflicts (2 of 4 stars). 5 submissions from 5 submitters: Benign (3); Likely benign (2). Last evaluated 2026-04-01.

Conditions:
Spinocerebellar ataxia type 35. Identifiers: Orphanet 276193, MedGen C3888031, MONDO:0013485, OMIM 613908.

Allele frequency attached by ClinVar (database versions not stated): gnomAD 0.00005 and 0.00042; TOPMed 0.00008; 1000 Genomes Project 30x 0.00125; 1000 Genomes Project 0.00160.

Submissions (5):

CeGaT Center for Human Genetics Tuebingen
Classification: Likely benign. Last evaluated: 2026-04-01. Review status: criteria provided, single submitter. Criteria: CeGaT Center For Human Genetics Tuebingen Variant Classification Criteria Version 2. Collection method: clinical testing. Allele origin: germline. Affected: yes. Observed: 1 variant allele.
Comment: TGM6: BS1

Labcorp Genetics (formerly Invitae), Labcorp
Classification: Benign. Last evaluated: 2025-06-03. Review status: criteria provided, single submitter. Criteria: Invitae Variant Classification Sherloc (09022015). Collection method: clinical testing. Allele origin: germline.

Blueprint Genetics
Classification: Likely benign. Last evaluated: 2024-10-23. Review status: criteria provided, single submitter. Criteria: ACMG Guidelines, 2015. Collection method: clinical testing. Allele origin: germline.

Athena Diagnostics
Classification: Benign. Last evaluated: 2024-05-22. Review status: criteria provided, single submitter. Criteria: Athena Diagnostics Criteria. Collection method: clinical testing. Allele origin: unknown.

Illumina Laboratory Services, Illumina
Classification: Benign for Spinocerebellar ataxia type 35. Last evaluated: 2018-01-13. Review status: criteria provided, single submitter. Criteria: ICSL Variant Classification Criteria 13 December 2019. Collection method: clinical testing. Allele origin: germline.
Comment: This variant was observed in the ICSL laboratory as part of a predisposition screen in an ostensibly healthy population. It had not been previously curated by ICSL or reported in the Human Gene Mutation Database (HGMD: prior to June 1st, 2018), and was therefore a candidate for classification through an automated scoring system. Utilizing variant allele frequency, disease prevalence and penetrance estimates, and inheritance mode, an automated score was calculated to assess if this variant is too frequent to cause the disease. Based on the score and internal cut-off values, a variant classified as benign is not then subjected to further curation. The score for this variant resulted in a classification of benign for this disease.